The following is an entry in ClinVar:

ClinVar aggregate classification (germline): Conflicting classifications of pathogenicity. Review status: criteria provided, conflicting classifications (1 of 4 stars). 5 submissions from 5 submitters: Uncertain significance (1); Likely benign (4). Last evaluated 2025-12-10.

Conditions:
Cardiovascular phenotype. Identifiers: MedGen CN230736.
Noonan syndrome and Noonan-related syndrome. Identifiers: Orphanet 98733, MedGen C5681679, MONDO:0020297.
Legius syndrome. Identifiers: Orphanet 137605, MedGen C1969623, MONDO:0012669, OMIM 611431. Disease mechanism: loss of function.

Allele frequency attached by ClinVar (database versions not stated): ExAC 0.00001; gnomAD exomes 0.00001 and 0.00002; gnomAD 0.00002; TOPMed 0.00003.
gnomAD v4.1: 24 of 1,613,898 alleles (0.0015%); highest among the groups gnomAD compares: East Asian, 0.0045%; no homozygotes.

Submissions (5):

Labcorp Genetics (formerly Invitae), Labcorp
Classification: Likely benign for Legius syndrome. Last evaluated: 2025-12-10. Review status: criteria provided, single submitter. Criteria: Invitae Variant Classification Sherloc (09022015). Collection method: clinical testing. Allele origin: germline.

Blueprint Genetics
Classification: Likely benign. Last evaluated: 2024-05-23. Review status: criteria provided, single submitter. Criteria: ACMG Guidelines, 2015. Collection method: clinical testing. Allele origin: germline.

CeGaT Center for Human Genetics Tuebingen
Classification: Likely benign. Last evaluated: 2023-04-01. Review status: criteria provided, single submitter. Criteria: CeGaT Center For Human Genetics Tuebingen Variant Classification Criteria Version 2. Collection method: clinical testing. Allele origin: germline. Affected: yes. Observed: 1 variant allele.
Comment: SPRED1: BP4, BP7

Ambry Genetics
Classification: Likely benign for Cardiovascular phenotype. Last evaluated: 2023-02-02. Review status: criteria provided, single submitter. Criteria: Ambry Variant Classification Scheme 2023. Collection method: clinical testing. Allele origin: germline.

Genome Diagnostics Laboratory, The Hospital for Sick Children
Classification: Uncertain significance for Noonan syndrome and Noonan-related syndrome. Last evaluated: 2019-11-01. Review status: criteria provided, single submitter. Criteria: ACMG Guidelines, 2015. Collection method: clinical testing. Allele origin: germline.

NM_152594.3(SPRED1):c.1005C>T (p.Cys335=)

Gene: SPRED1 (sprouty related EVH1 domain containing 1; plus strand). Cytogenetic location: 15q14.
Variant type: single nucleotide variant.
Coding change: c.1005C>T on transcript NM_152594.3 (MANE Select); coding-DNA position 1005, C replaced by T.
Protein change: p.Cys335=; no amino-acid change (cysteine 335 retained).
Molecular consequence: synonymous variant.
Genome position (GRCh38, 1-based): chr15:38,351,334, C>T. VCF-style: chr15-38351334-C-T. GRCh37 (hg19) VCF-style: chr15-38643535-C-T.
Identifiers: ClinVar variation 241988 (VCV000241988.38), dbSNP rs768937237, ClinGen allele CA7470218.